The following is an entry in ClinVar:

NM_139057.4(ADAMTS17):c.2729C>T (p.Pro910Leu)

Gene: ADAMTS17 (ADAM metallopeptidase with thrombospondin type 1 motif 17; minus strand). Cytogenetic location: 15q26.3.
Variant type: single nucleotide variant.
Coding change: c.2729C>T on transcript NM_139057.4 (MANE Select); coding-DNA position 2729, C replaced by T.
Protein change: p.Pro910Leu; replaces proline 910 with leucine.
Molecular consequence: missense variant.
Genome position (GRCh38, 1-based): chr15:99,997,452, G>A on the plus strand (C>T on the coding strand, the complement: ADAMTS17 is on the minus strand). VCF-style: chr15-99997452-G-A. GRCh37 (hg19) VCF-style: chr15-100537657-G-A.
Other names: short protein forms P910L.
Identifiers: ClinVar variation 5037454 (VCV005037454.1).

ClinVar aggregate classification (germline): Uncertain significance (1 of 4 stars; one submission).

gnomAD v4.1: 42 of 1,613,610 alleles (0.0026%); highest among the groups gnomAD compares: Non-Finnish European, 0.0031%; no homozygotes.

Submission:

GeneDx
Classification: Uncertain significance. Last evaluated: 2026-04-22. Review status: criteria provided, single submitter. Criteria: GeneDx Variant Classification Process June 2021. Collection method: clinical testing. Allele origin: germline.
Comment: Not observed at significant frequency in large population cohorts (gnomAD); In silico analysis supports that this missense variant has a deleterious effect on protein structure/function; Has not been previously published as pathogenic or benign to our knowledge